The following is an entry in ClinVar:

NM_003859.1(DPM1):c.-274T>G

Gene: DPM1 (dolichyl-phosphate mannosyltransferase subunit 1, catalytic; minus strand). Cytogenetic location: 20q13.13.
Variant type: single nucleotide variant.
Coding change: c.-274T>G on transcript NM_003859.1; 274 bases upstream of the start codon, T replaced by G.
Genome position (GRCh38, 1-based): chr20:50,958,797, A>C on the plus strand (T>G on the coding strand, the complement: DPM1 is on the minus strand). VCF-style: chr20-50958797-A-C. GRCh37 (hg19) VCF-style: chr20-49575334-A-C.
Identifiers: ClinVar variation 679333 (VCV000679333.4), dbSNP rs2281282, ClinGen allele CA9909307.
Genomic context (GRCh38, chr20:50,958,797, plus strand): 5'-TCACCTTTTCCCAAGCTCCATAAAGTTTTTTAGTTTATCCCAGTCGCTAGGAGACAGAAG[A>C]CGGAAGCGGAAATGCCTTTCACGACAACTTCCGGAAGAGGTCGCCATGGCTTCCCGGGAG-3'

ClinVar aggregate classification (germline): Benign. Review status: criteria provided, multiple submitters, no conflicts (2 of 4 stars). 2 submissions from 2 submitters: Benign (2). Last evaluated 2018-06-14.

Allele frequency attached by ClinVar (database versions not stated): 1000 Genomes Project 30x 0.53560; TOPMed 0.55196; gnomAD exomes 0.43158 and 0.40572; gnomAD 0.53602 and 0.54988; ESP Exome Variant Server 0.57811; ExAC 0.43605; 1000 Genomes Project 0.52796.

Submissions (2):

GeneDx
Classification: Benign. Last evaluated: 2018-06-14. Review status: criteria provided, single submitter. Criteria: GeneDx Variant Classification (06012015). Collection method: clinical testing. Allele origin: germline. Affected: yes.
Comment: This variant is considered likely benign or benign based on one or more of the following criteria: it is a conservative change, it occurs at a poorly conserved position in the protein, it is predicted to be benign by multiple in silico algorithms, and/or has population frequency not consistent with disease.

Breakthrough Genomics
Classification: Benign. Review status: criteria provided, single submitter. Criteria: ACMG Guidelines, 2015. Collection method: not provided. Allele origin: germline. Inheritance: Autosomal recessive inheritance. Affected: yes.